The following is an entry in ClinVar:

ClinVar aggregate classification (germline): Conflicting classifications of pathogenicity. Review status: criteria provided, conflicting classifications (1 of 4 stars). 4 submissions from 4 submitters: Uncertain significance (1); Likely benign (2). 1 of the submissions does not count toward it. Last evaluated 2026-01-30.

Conditions:
DSG1-related disorder. Also called: DSG1-related condition.

Allele frequency attached by ClinVar (database versions not stated): 1000 Genomes Project 0.00060; 1000 Genomes Project 30x 0.00078; gnomAD exomes 0.00148; ESP Exome Variant Server 0.00262; ExAC 0.00150; gnomAD 0.00168 and 0.00175; TOPMed 0.00173.
gnomAD v4.1: 4,458 of 1,610,392 alleles (0.28%); highest among the groups gnomAD compares: Non-Finnish European, 0.34%; 7 homozygotes.

Submissions (4):

Labcorp Genetics (formerly Invitae), Labcorp
Classification: Likely benign. Last evaluated: 2026-01-30. Review status: criteria provided, single submitter. Criteria: Invitae Variant Classification Sherloc (09022015). Collection method: clinical testing. Allele origin: germline.

CeGaT Center for Human Genetics Tuebingen
Classification: Likely benign. Last evaluated: 2025-10-01. Review status: criteria provided, single submitter. Criteria: CeGaT Center For Human Genetics Tuebingen Variant Classification Criteria Version 2. Collection method: clinical testing. Allele origin: germline. Affected: yes. Observed: 4 variant alleles.
Comment: DSG1: BP4

Blueprint Genetics
Classification: Uncertain significance. Last evaluated: 2024-11-18. Review status: criteria provided, single submitter. Criteria: ACMG Guidelines, 2015. Collection method: clinical testing. Allele origin: germline.

PreventionGenetics, part of Exact Sciences
Classification: Likely benign for DSG1-related condition. Last evaluated: 2022-04-22. Review status: no assertion criteria provided. Collection method: clinical testing. Allele origin: germline. Not counted in ClinVar's aggregate classification.
Comment: This variant is classified as likely benign based on ACMG/AMP sequence variant interpretation guidelines (Richards et al. 2015 PMID: 25741868, with internal and published modifications).

NM_001942.4(DSG1):c.861G>T (p.Leu287Phe)

Gene: DSG1 (desmoglein 1; plus strand). Cytogenetic location: 18q12.1.
Variant type: single nucleotide variant.
Coding change: c.861G>T on transcript NM_001942.4 (MANE Select); coding-DNA position 861, G replaced by T.
Protein change: p.Leu287Phe; replaces leucine 287 with phenylalanine.
Molecular consequence: missense variant.
Genome position (GRCh38, 1-based): chr18:31,334,058, G>T. VCF-style: chr18-31334058-G-T. GRCh37 (hg19) VCF-style: chr18-28914021-G-T.
Other names: short protein forms L287F.
Identifiers: ClinVar variation 717396 (VCV000717396.34), dbSNP rs150445875, ClinGen allele CA8925962.